The following is an entry in ClinVar:

NM_139319.3(SLC17A8):c.1537G>A (p.Glu513Lys)

Gene: SLC17A8 (solute carrier family 17 member 8; plus strand). Cytogenetic location: 12q23.1.
Variant type: single nucleotide variant.
Coding change: c.1537G>A on transcript NM_139319.3 (MANE Select); coding-DNA position 1537, G replaced by A.
Protein change: p.Glu513Lys; replaces glutamic acid 513 with lysine.
Molecular consequence: missense variant.
Genome position (GRCh38, 1-based): chr12:100,419,926, G>A. VCF-style: chr12-100419926-G-A. GRCh37 (hg19) VCF-style: chr12-100813704-G-A.
Other names: c.1387G>A, p.Glu463Lys (NM_001145288.2); c.1537G>A (NM_139319.2); short protein forms E463K, E513K.
Identifiers: ClinVar variation 1650271 (VCV001650271.11), dbSNP rs767334253, ClinGen allele CA6739050.

ClinVar aggregate classification (germline): Conflicting classifications of pathogenicity. Review status: criteria provided, conflicting classifications (1 of 4 stars). 3 submissions from 3 submitters: Uncertain significance (1); Likely benign (1). 1 of the submissions does not count toward it. Last evaluated 2025-11-25.

Conditions:
SLC17A8-related disorder. Also called: SLC17A8-related condition.

Allele frequency attached by ClinVar (database versions not stated): gnomAD 0.00004; TOPMed 0.00008; gnomAD exomes 0.00013 and 0.00028; ExAC 0.00028.
gnomAD v4.1: 84 of 1,614,022 alleles (0.0052%); highest among the groups gnomAD compares: Admixed American, 0.14%; no homozygotes.

Submissions (3):

Labcorp Genetics (formerly Invitae), Labcorp
Classification: Likely benign. Last evaluated: 2025-11-25. Review status: criteria provided, single submitter. Criteria: Invitae Variant Classification Sherloc (09022015). Collection method: clinical testing. Allele origin: germline.

Women's Health and Genetics/Laboratory Corporation of America, LabCorp
Classification: Uncertain significance. Last evaluated: 2024-12-04. Review status: criteria provided, single submitter. Criteria: LabCorp Variant Classification Summary - May 2015. Collection method: clinical testing. Allele origin: germline.
Comment: Variant summary: SLC17A8 c.1537G>A (p.Glu513Lys) results in a conservative amino acid change in the encoded protein sequence. Four of five in-silico tools predict a benign effect of the variant on protein function. The variant allele was found at a frequency of 0.00028 in 251308 control chromosomes. This frequency is not significantly higher than estimated for a pathogenic variant in SLC17A8 causing Autosomal Dominant Nonsyndromic Hearing Loss 25, allowing no conclusion about variant significance. To our knowledge, no occurrence of c.1537G>A in individuals affected with Autosomal Dominant Nonsyndromic Hearing Loss 25 and no experimental evidence demonstrating its impact on protein function have been reported. ClinVar contains an entry for this variant (Variation ID: 1650271). Based on the evidence outlined above, the variant was classified as uncertain significance.

PreventionGenetics, part of Exact Sciences
Classification: Likely benign for SLC17A8-related condition. Last evaluated: 2020-06-15. Review status: no assertion criteria provided. Collection method: clinical testing. Allele origin: germline. Not counted in ClinVar's aggregate classification.
Comment: This variant is classified as likely benign based on ACMG/AMP sequence variant interpretation guidelines (Richards et al. 2015 PMID: 25741868, with internal and published modifications).